The following is an entry in ClinVar:

ClinVar aggregate classification (germline): Benign/Likely benign. Review status: criteria provided, multiple submitters, no conflicts (2 of 4 stars). 5 submissions from 5 submitters: Benign (1); Likely benign (4). Last evaluated 2026-01-19.

Conditions:
Familial cancer of breast. Also called: Hereditary breast cancer; BREAST CANCER, FAMILIAL; hereditary breast carcinoma. Identifiers: Orphanet 227535, MedGen C0346153, MONDO:0016419, OMIM 114480. Disease mechanism: loss of function.
Hereditary cancer-predisposing syndrome. Also called: Tumor predisposition; Neoplastic Syndromes, Hereditary; Hereditary neoplastic syndrome; Hereditary Cancer Syndrome. Identifiers: Orphanet 140162, MedGen C0027672, MeSH D009386, MONDO:0015356.

Allele frequency attached by ClinVar (database versions not stated): gnomAD 0.00001; gnomAD exomes 0.00001; TOPMed 0.00001; ExAC 0.00002.

Submissions (5):

Labcorp Genetics (formerly Invitae), Labcorp
Classification: Likely benign for Familial cancer of breast. Last evaluated: 2026-01-19. Review status: criteria provided, single submitter. Criteria: Invitae Variant Classification Sherloc (09022015). Collection method: clinical testing. Allele origin: germline.

Myriad Genetics, Inc.
Classification: Benign for Familial cancer of breast. Last evaluated: 2025-01-17. Review status: criteria provided, single submitter. Criteria: Myriad Autosomal Dominant, Autosomal Recessive and X-Linked Classification Criteria (2023). Collection method: clinical testing. Allele origin: unknown.
Comment: This variant is considered benign. This variant is a silent/synonymous amino acid change and it is not expected to impact splicing.

Ambry Genetics
Classification: Likely benign for Hereditary cancer-predisposing syndrome. Last evaluated: 2018-05-30. Review status: criteria provided, single submitter. Criteria: Ambry Variant Classification Scheme 2023. Collection method: clinical testing. Allele origin: germline.

Color Diagnostics, LLC DBA Color Health
Classification: Likely benign for Hereditary cancer-predisposing syndrome. Last evaluated: 2017-11-20. Review status: criteria provided, single submitter. Criteria: ACMG Guidelines, 2015. Collection method: clinical testing. Allele origin: germline.

GeneDx
Classification: Likely benign. Last evaluated: 2017-01-30. Review status: criteria provided, single submitter. Criteria: GeneDx Variant Classification (06012015). Collection method: clinical testing. Allele origin: germline. Affected: yes.
Comment: This variant is considered likely benign or benign based on one or more of the following criteria: it is a conservative change, it occurs at a poorly conserved position in the protein, it is predicted to be benign by multiple in silico algorithms, and/or has population frequency not consistent with disease.

NM_024675.4(PALB2):c.2799T>C (p.Cys933=)

Gene: PALB2 (partner and localizer of BRCA2; minus strand). Cytogenetic location: 16p12.2.
Variant type: single nucleotide variant.
Coding change: c.2799T>C on transcript NM_024675.4 (MANE Select); coding-DNA position 2799, T replaced by C.
Protein change: p.Cys933=; no amino-acid change (cysteine 933 retained).
Molecular consequence: synonymous variant.
Genome position (GRCh38, 1-based): chr16:23,624,044, A>G on the plus strand (T>C on the coding strand, the complement: PALB2 is on the minus strand). VCF-style: chr16-23624044-A-G. GRCh37 (hg19) VCF-style: chr16-23635365-A-G.
Identifiers: ClinVar variation 415992 (VCV000415992.20), dbSNP rs748232940, ClinGen allele CA7963484.